The following is an entry in ClinVar:

NM_002693.3(POLG):c.2728A>G (p.Met910Val)

Gene: POLG (DNA polymerase gamma, catalytic subunit; minus strand). Cytogenetic location: 15q26.1.
Variant type: single nucleotide variant.
Coding change: c.2728A>G on transcript NM_002693.3 (MANE Select); coding-DNA position 2728, A replaced by G.
Protein change: p.Met910Val; replaces methionine 910 with valine.
Molecular consequence: missense variant.
Genome position (GRCh38, 1-based): chr15:89,321,131, T>C on the plus strand (A>G on the coding strand, the complement: POLG is on the minus strand). VCF-style: chr15-89321131-T-C. GRCh37 (hg19) VCF-style: chr15-89864362-T-C.
Other names: c.2728A>G, p.Met910Val (NM_001126131.2); short protein forms M910V.
Identifiers: ClinVar variation 1035263 (VCV001035263.7), dbSNP rs1260783813, ClinGen allele CA393753445.

ClinVar aggregate classification (germline): Uncertain significance (1 of 4 stars; one submission).

Conditions:
Progressive sclerosing poliodystrophy (MTDPS4A). Also called: NEURONAL DEGENERATION OF CHILDHOOD WITH LIVER DISEASE, PROGRESSIVE; Alpers-Huttenlocher Syndrome (AHS); ALPERS PROGRESSIVE INFANTILE POLIODYSTROPHY; Mitochondrial DNA Depletion Syndrome 4A; Alpers Syndrome; ALPERS DIFFUSE DEGENERATION OF CEREBRAL GRAY MATTER WITH HEPATIC CIRRHOSIS. Identifiers: Orphanet 726, MedGen C0205710, MONDO:0008758, OMIM 203700.

Allele frequency attached by ClinVar (database versions not stated): gnomAD exomes below 0.00001 and 0.00001.
gnomAD v4.1: 11 of 1,614,232 alleles (0.00068%); highest among the groups gnomAD compares: South Asian, 0.0022%; no homozygotes.

Submission:

Labcorp Genetics (formerly Invitae), Labcorp
Classification: Uncertain significance for Progressive sclerosing poliodystrophy. Last evaluated: 2023-11-06. Review status: criteria provided, single submitter. Criteria: Invitae Variant Classification Sherloc (09022015). Collection method: clinical testing. Allele origin: germline.
Comment: This sequence change replaces methionine, which is neutral and non-polar, with valine, which is neutral and non-polar, at codon 910 of the POLG protein (p.Met910Val). This variant is present in population databases (no rsID available, gnomAD 0.003%). This variant has not been reported in the literature in individuals affected with POLG-related conditions. ClinVar contains an entry for this variant (Variation ID: 1035263). Advanced modeling of protein sequence and biophysical properties (such as structural, functional, and spatial information, amino acid conservation, physicochemical variation, residue mobility, and thermodynamic stability) performed at Invitae indicates that this missense variant is not expected to disrupt POLG protein function with a negative predictive value of 95%. In summary, the available evidence is currently insufficient to determine the role of this variant in disease. Therefore, it has been classified as a Variant of Uncertain Significance.